The following is an entry in ClinVar:

ClinVar aggregate classification (germline): Pathogenic (1 of 4 stars; one submission).

Conditions:
Neurofibromatosis, type 1 (NF1). Also called: Peripheral type neurofibromatosis; VON RECKLINGHAUSEN DISEASE; NEUROFIBROMATOSIS, TYPE I, SOMATIC; Neurofibromatosis, type I. Identifiers: Orphanet 636, MedGen C0027831, MONDO:0018975, OMIM 162200. Disease mechanism: loss of function.

Submission:

Labcorp Genetics (formerly Invitae), Labcorp
Classification: Pathogenic for Neurofibromatosis, type 1. Last evaluated: 2022-08-03. Review status: criteria provided, single submitter. Criteria: Invitae Variant Classification Sherloc (09022015). Collection method: clinical testing. Allele origin: germline.
Comment: This variant results in a copy number gain of the genomic region encompassing exon(s) 2-13 of the NF1 gene. While the exact position of this variant cannot be determined from the data, sub-genic copy number gains are generally in tandem (PMID: 25640679). This variant is predicted to be in-frame, and likely preserves the integrity of the reading frame. A similar copy number variant has been observed in individual(s) with clinical features of NF1-related disorders (Invitae). In at least one individual the variant was observed to be de novo. For these reasons, this variant has been classified as Pathogenic.

Literature cited by the submitters: PubMed 25640679.

NC_000017.10:g.(?_29475515)_(29542762_?)dup

Gene: NF1 (neurofibromin 1; plus strand). Cytogenetic location: 17q11.2.
Variant type: Duplication.
Identifiers: ClinVar variation 2422752 (VCV002422752.3).